The following is an entry in ClinVar:

ClinVar aggregate classification (germline): Uncertain significance. Review status: criteria provided, multiple submitters, no conflicts (2 of 4 stars). 2 submissions from 2 submitters: Uncertain significance (2). Last evaluated 2025-09-19.

Conditions:
Congenital myasthenic syndrome 8. Also called: MYASTHENIC SYNDROME, CONGENITAL, DUE TO AGRIN DEFICIENCY; Myasthenic syndrome, congenital, 8, with pre- and postsynaptic defects. Identifiers: Orphanet 590, MedGen C3808739, MONDO:0014052, OMIM 615120.

Allele frequency attached by ClinVar (database versions not stated): gnomAD exomes 0.00003 and 0.00008; ExAC 0.00012; gnomAD 0.00034 and 0.00038; TOPMed 0.00040; ESP Exome Variant Server 0.00062.
gnomAD v4.1: 87 of 1,609,558 alleles (0.0054%); highest among the groups gnomAD compares: African/African-American, 0.11%; no homozygotes.

Submissions (2):

Labcorp Genetics (formerly Invitae), Labcorp
Classification: Uncertain significance for Congenital myasthenic syndrome 8. Last evaluated: 2025-09-19. Review status: criteria provided, single submitter. Criteria: Invitae Variant Classification Sherloc (09022015). Collection method: clinical testing. Allele origin: germline.
Comment: This sequence change replaces glutamine, which is neutral and polar, with glutamic acid, which is acidic and polar, at codon 666 of the AGRN protein (p.Gln666Glu). This variant is present in population databases (rs138977015, gnomAD 0.1%). This variant has not been reported in the literature in individuals affected with AGRN-related conditions. ClinVar contains an entry for this variant (Variation ID: 972108). An algorithm developed to predict the effect of missense changes on protein structure and function (PolyPhen-2) suggests that this variant is likely to be tolerated. In summary, the available evidence is currently insufficient to determine the role of this variant in disease. Therefore, it has been classified as a Variant of Uncertain Significance.

Revvity Omics, Revvity
Classification: Uncertain significance for Congenital myasthenic syndrome 8. Last evaluated: 2024-05-02. Review status: criteria provided, single submitter. Criteria: ACMG Guidelines, 2015. Collection method: clinical testing. Allele origin: germline.

NM_198576.4(AGRN):c.1996C>G (p.Gln666Glu)

Gene: AGRN (agrin; plus strand). Cytogenetic location: 1p36.33.
Variant type: single nucleotide variant.
Coding change: c.1996C>G on transcript NM_198576.4 (MANE Select); coding-DNA position 1996, C replaced by G.
Protein change: p.Gln666Glu; replaces glutamine 666 with glutamic acid.
Molecular consequence: missense variant.
Genome position (GRCh38, 1-based): chr1:1,044,020, C>G. VCF-style: chr1-1044020-C-G. GRCh37 (hg19) VCF-style: chr1-979400-C-G.
Other names: c.1996C>G, p.Gln666Glu (NM_001305275.2); c.1681C>G, p.Gln561Glu (NM_001364727.2); short protein forms Q666E, Q561E.
Identifiers: ClinVar variation 972108 (VCV000972108.10), dbSNP rs138977015, ClinGen allele CA508408.